The following is an entry in ClinVar:

ClinVar aggregate classification (germline): Pathogenic. Review status: criteria provided, multiple submitters, no conflicts (2 of 4 stars). 3 submissions from 3 submitters: Pathogenic (3). Last evaluated 2025-08-05.

Conditions:
Camptodactyly-arthropathy-coxa vara-pericarditis syndrome. Also called: FIBROSING SEROSITIS, FAMILIAL; JACOBS SYNDROME; PAC SYNDROME; Arthropathy camptodactyly syndrome; Pericarditis arthropathy camptodactyly syndrome; Congenital familial hypertrophic synovitis. Identifiers: Orphanet 2848, MedGen C1859690, MONDO:0008828, OMIM 208250.

Allele frequency attached by ClinVar (database versions not stated): gnomAD exomes below 0.00001.

Submissions (3):

3billion
Classification: Pathogenic for Camptodactyly-arthropathy-coxa vara-pericarditis syndrome. Last evaluated: 2025-08-05. Review status: criteria provided, single submitter. Criteria: ACMG Guidelines, 2015. Collection method: clinical testing. Allele origin: germline. Affected: yes.
Comment: The variant is observed at an extremely low frequency in the gnomAD v4.1.0 dataset (total allele frequency: <0.001%). Predicted Consequence/Location: Frameshift: predicted to result in a loss or disruption of normal protein function through nonsense-mediated decay (NMD) or protein truncation. Multiple pathogenic variants are reported downstream of the variant. The variant has been reported at least twice as pathogenic with clinical assertions and evidence for the classification (ClinVar ID: VCV001323496 /PMID: 38856641). Therefore, this variant is classified as Pathogenic according to the recommendation of ACMG/AMP guideline.

Kasturba Medical College, Manipal, Kasturba Medical College, Manipal, Manipal Academy of Higher Education, Manipal, India
Classification: Pathogenic for Camptodactyly-arthropathy-coxa vara-pericarditis syndrome. Last evaluated: 2022-05-09. Review status: criteria provided, single submitter. Criteria: ACMG Guidelines, 2015. Collection method: clinical testing. Allele origin: germline. Affected: yes. Observed: 2 variant alleles.

Revvity Omics, Revvity
Classification: Pathogenic for Camptodactyly-arthropathy-coxa vara-pericarditis syndrome. Last evaluated: 2019-05-16. Review status: criteria provided, single submitter. Criteria: ACMG Guidelines, 2015. Collection method: clinical testing. Allele origin: germline.

Literature cited by the submitters: PubMed 38856641 (cited by 3billion).

NM_005807.6(PRG4):c.1935del (p.Glu646fs)

Gene: PRG4 (proteoglycan 4; plus strand). Cytogenetic location: 1q31.1.
Variant type: Deletion.
Coding change: c.1935del on transcript NM_005807.6 (MANE Select); coding-DNA position 1935, one base deleted (T; older notation c.1935delT).
Protein change: p.Glu646fs; shifts the reading frame from glutamic acid 646.
Molecular consequence: frameshift variant.
Genome position (GRCh38, 1-based): chr1:186,307,654, T deleted. VCF-style (leftmost placement, unchanged base first): chr1-186307653-CT-C. GRCh37 (hg19) VCF-style: chr1-186276785-CT-C.
Other names: c.1935delT (NM_005807.6); c.1812del, p.Glu605fs (NM_001127708.3); c.1656del, p.Glu553fs (NM_001127709.3); c.1533del, p.Glu512fs (NM_001127710.3); c.1806del, p.Glu603fs (NM_001303232.2); short protein forms E512fs, E553fs, E603fs, E605fs, E646fs.
Identifiers: ClinVar variation 1323496 (VCV001323496.8), dbSNP rs2102025845, ClinGen allele CA2573051439.